The following is an entry in ClinVar:

NM_014809.4(KIAA0319):c.2734+3A>G

Gene: KIAA0319 (KIAA0319; minus strand). Cytogenetic location: 6p22.3.
Variant type: single nucleotide variant.
Coding change: c.2734+3A>G on transcript NM_014809.4 (MANE Select); 3 bases into the intron after coding-DNA position 2734, A replaced by G.
Molecular consequence: intron variant.
Genome position (GRCh38, 1-based): chr6:24,559,010, T>C on the plus strand (A>G on the coding strand, the complement: KIAA0319 is on the minus strand). VCF-style: chr6-24559010-T-C. GRCh37 (hg19) VCF-style: chr6-24559238-T-C.
Other names: c.2599+3A>G (NM_001350406.2, NM_001168376.2); c.2278+3A>G (NM_001350409.2, NM_001350410.2); c.2734+3A>G (NM_001350407.2, NM_001350403.2, NM_001168377.2 and 2 more transcripts); c.2716+3A>G (NM_001350404.2); c.2707+3A>G (NM_001168374.2); c.2635+3A>G (NM_001350405.2); c.967+3A>G (NM_001252328.2).
Identifiers: ClinVar variation 3036021 (VCV003036021.2), dbSNP rs150584710, ClinGen allele CA3657126.

ClinVar aggregate classification (germline): Likely benign (0 of 4 stars; one submission).

Conditions:
KIAA0319-related disorder. Also called: KIAA0319-related condition.

Allele frequency attached by ClinVar (database versions not stated): gnomAD 0.00033; TOPMed 0.00035; 1000 Genomes Project 30x 0.00062; 1000 Genomes Project 0.00080; ESP Exome Variant Server 0.00108.
gnomAD v4.1: 604 of 1,608,892 alleles (0.038%); highest among the groups gnomAD compares: Middle Eastern, 0.3%; 3 homozygotes.

Submission:

PreventionGenetics, part of Exact Sciences
Classification: Likely benign for KIAA0319-related condition. Last evaluated: 2019-12-30. Review status: no assertion criteria provided. Collection method: clinical testing. Allele origin: germline.
Comment: This variant is classified as likely benign based on ACMG/AMP sequence variant interpretation guidelines (Richards et al. 2015 PMID: 25741868, with internal and published modifications).